The following is an entry in ClinVar:

NM_020921.4(NIN):c.6211G>T (p.Ala2071Ser)

Gene: NIN (ninein; minus strand). Cytogenetic location: 14q22.1.
Variant type: single nucleotide variant.
Coding change: c.6211G>T on transcript NM_020921.4 (MANE Select); coding-DNA position 6211, G replaced by T.
Protein change: p.Ala2071Ser; replaces alanine 2071 with serine.
Molecular consequence: missense variant.
Genome position (GRCh38, 1-based): chr14:50,723,654, C>A on the plus strand (G>T on the coding strand, the complement: NIN is on the minus strand). VCF-style: chr14-50723654-C-A. GRCh37 (hg19) VCF-style: chr14-51190372-C-A.
Other names: short protein forms A2071S.
Identifiers: ClinVar variation 4778738 (VCV004778738.1).

ClinVar aggregate classification (germline): Uncertain significance (1 of 4 stars; one submission).

gnomAD v4.1: 3 of 1,613,656 alleles (0.00019%); highest among the groups gnomAD compares: African/African-American, 0.004%; no homozygotes.

Submission:

Labcorp Genetics (formerly Invitae), Labcorp
Classification: Uncertain significance. Last evaluated: 2025-12-25. Review status: criteria provided, single submitter. Criteria: Invitae Variant Classification Sherloc (09022015). Collection method: clinical testing. Allele origin: germline.
Comment: This sequence change replaces alanine, which is neutral and non-polar, with serine, which is neutral and polar, at codon 2071 of the NIN protein (p.Ala2071Ser). This variant is not present in population databases (gnomAD no frequency). This variant has not been reported in the literature in individuals affected with NIN-related conditions. An algorithm developed to predict the effect of missense changes on protein structure and function outputs the following: PolyPhen-2: "Benign". The serine amino acid residue is found in multiple mammalian species, which suggests that this missense change does not adversely affect protein function. In summary, the available evidence is currently insufficient to determine the role of this variant in disease. Therefore, it has been classified as a Variant of Uncertain Significance.